The following is an entry in ClinVar:

ClinVar aggregate classification (germline): Uncertain significance (1 of 4 stars; one submission).

Conditions:
Phelan-McDermid syndrome. Also called: TELOMERIC 22q13 MONOSOMY SYNDROME; 22q13.3 deletion syndrome; Phelan-McDermid Syndrome-SHANK3 Related. Identifiers: Orphanet 48652, MedGen C1853490, MONDO:0011652, OMIM 606232.

Allele frequency attached by ClinVar (database versions not stated): gnomAD exomes below 0.00001; TOPMed 0.00002; gnomAD 0.00003.

Submission:

Laboratorio de Genetica e Diagnostico Molecular, Hospital Israelita Albert Einstein
Classification: Uncertain significance for Phelan-McDermid syndrome. Last evaluated: 2021-06-03. Review status: criteria provided, single submitter. Criteria: ACMG Guidelines, 2015. Collection method: clinical testing. Allele origin: germline. Affected: yes.
Comment: ACMG classification criteria: BP4 supporting

NM_001372044.2(SHANK3):c.766C>T (p.Arg256Cys)

Gene: SHANK3 (SH3 and multiple ankyrin repeat domains 3; plus strand). Cytogenetic location: 22q13.33.
Variant type: single nucleotide variant.
Coding change: c.766C>T on transcript NM_001372044.2 (MANE Select); coding-DNA position 766, C replaced by T.
Protein change: p.Arg256Cys; replaces arginine 256 with cysteine.
Molecular consequence: missense variant.
Genome position (GRCh38, 1-based): chr22:50,678,861, C>T. VCF-style: chr22-50678861-C-T. GRCh37 (hg19) VCF-style: chr22-51117289-C-T.
Other names: short protein forms R256C.
Identifiers: ClinVar variation 1683570 (VCV001683570.2), dbSNP rs1030097250, ClinGen allele CA325560218.